The following is an entry in ClinVar:

ClinVar aggregate classification (germline): Uncertain significance (1 of 4 stars; one submission).

Conditions:
Walker-Warburg congenital muscular dystrophy. Also called: Muscular dystrophy-dystroglycanopathy, type A; Walker-Warburg syndrome. Identifiers: Orphanet 899, MedGen C0265221, MONDO:0000171.

Submission:

Labcorp Genetics (formerly Invitae), Labcorp
Classification: Uncertain significance for Walker-Warburg congenital muscular dystrophy. Last evaluated: 2022-04-28. Review status: criteria provided, single submitter. Criteria: Invitae Variant Classification Sherloc (09022015). Collection method: clinical testing. Allele origin: germline.
Comment: This sequence change replaces arginine, which is basic and polar, with histidine, which is basic and polar, at codon 467 of the FKRP protein (p.Arg467His). The frequency data for this variant in the population databases is considered unreliable, as metrics indicate poor data quality at this position in the gnomAD database. This variant has not been reported in the literature in individuals affected with FKRP-related conditions. Algorithms developed to predict the effect of missense changes on protein structure and function (SIFT, PolyPhen-2, Align-GVGD) all suggest that this variant is likely to be tolerated. In summary, the available evidence is currently insufficient to determine the role of this variant in disease. Therefore, it has been classified as a Variant of Uncertain Significance.

NM_024301.5(FKRP):c.1400G>A (p.Arg467His)

Gene: FKRP (fukutin related protein; plus strand). Cytogenetic location: 19q13.32.
Variant type: single nucleotide variant.
Coding change: c.1400G>A on transcript NM_024301.5 (MANE Select); coding-DNA position 1400, G replaced by A.
Protein change: p.Arg467His; replaces arginine 467 with histidine.
Molecular consequence: missense variant.
Genome position (GRCh38, 1-based): chr19:46,756,850, G>A. VCF-style: chr19-46756850-G-A. GRCh37 (hg19) VCF-style: chr19-47260107-G-A.
Other names: c.1400G>A, p.Arg467His (NM_001039885.3); short protein forms R467H.
Identifiers: ClinVar variation 1353474 (VCV001353474.3), dbSNP rs766839420, ClinGen allele CA9532313.